The following is an entry in ClinVar:

NM_001079668.3(NKX2-1):c.521del (p.Gly174fs)

Genes: NKX2-1 (NK2 homeobox 1; minus strand), SFTA3 (surfactant associated 3; minus strand). Cytogenetic location: 14q13.3.
Variant type: Deletion.
Coding change: c.521del on transcript NM_001079668.3 (MANE Select); coding-DNA position 521, one base deleted (G; older notation c.521delG).
Protein change: p.Gly174fs; shifts the reading frame from glycine 174.
Molecular consequence: frameshift variant.
Genome position (GRCh38, 1-based): chr14:36,517,963, C deleted on the plus strand (G on the coding strand, the reverse complement: NKX2-1 is on the minus strand); the first of 3 consecutive C bases (chr14:36,517,963-36,517,965); deleting any one gives the same sequence. VCF-style (leftmost placement, unchanged base first): chr14-36517962-GC-G. GRCh37 (hg19) VCF-style: chr14-36987167-GC-G.
Other names: c.431del, p.Gly144fs (NM_003317.4); c.521delG (NM_001079668.3); short protein forms G144fs, G174fs.
Identifiers: ClinVar variation 3768284 (VCV003768284.1).

ClinVar aggregate classification (germline): Pathogenic (1 of 4 stars; one submission).

Conditions:
Benign hereditary chorea (BHC). Also called: Benign Hereditary Chorea (BHC); HEREDITARY PROGRESSIVE CHOREA WITHOUT DEMENTIA. Identifiers: Orphanet 1429, MedGen C0393584, MONDO:0021011, OMIM 118700.

Submission:

Women's Health and Genetics/Laboratory Corporation of America, LabCorp
Classification: Pathogenic for Benign hereditary chorea. Last evaluated: 2024-12-04. Review status: criteria provided, single submitter. Criteria: LabCorp Variant Classification Summary - May 2015. Collection method: clinical testing. Allele origin: germline.
Comment: Variant summary: NKX2-1 c.521delG (p.Gly174Alafs*6) results in a premature termination codon, predicted to cause a truncation of the encoded protein. Variants downstream of this position have been classified as pathogenic in ClinVar. The variant was absent in 233520 control chromosomes. To our knowledge, no occurrence of c.521delG in individuals affected with Benign Hereditary Chorea and no experimental evidence demonstrating its impact on protein function have been reported. No submitters have cited clinical-significance assessments for this variant to ClinVar. Based on the evidence outlined above, the variant was classified as pathogenic.